The following is an entry in ClinVar:

ClinVar aggregate classification (germline): Uncertain significance (1 of 4 stars; one submission).

Submission:

Labcorp Genetics (formerly Invitae), Labcorp
Classification: Uncertain significance. Last evaluated: 2023-11-18. Review status: criteria provided, single submitter. Criteria: Invitae Variant Classification Sherloc (09022015). Collection method: clinical testing. Allele origin: germline.
Comment: This sequence change falls in intron 7 of the GATAD2B gene. It does not directly change the encoded amino acid sequence of the GATAD2B protein. This variant is not present in population databases (gnomAD no frequency). This variant has not been reported in the literature in individuals affected with GATAD2B-related conditions. Algorithms developed to predict the effect of sequence changes on RNA splicing suggest that this variant may create or strengthen a splice site. In summary, the available evidence is currently insufficient to determine the role of this variant in disease. Therefore, it has been classified as a Variant of Uncertain Significance.

NM_020699.4(GATAD2B):c.1217-15T>G

Gene: GATAD2B (GATA zinc finger domain containing 2B; minus strand). Cytogenetic location: 1q21.3.
Variant type: single nucleotide variant.
Coding change: c.1217-15T>G on transcript NM_020699.4 (MANE Select); 15 bases into the intron before coding-DNA position 1217, T replaced by G.
Molecular consequence: intron variant.
Genome position (GRCh38, 1-based): chr1:153,813,467, A>C on the plus strand (T>G on the coding strand, the complement: GATAD2B is on the minus strand). VCF-style: chr1-153813467-A-C. GRCh37 (hg19) VCF-style: chr1-153785943-A-C.
Identifiers: ClinVar variation 2773087 (VCV002773087.3), dbSNP rs2525238714, ClinGen allele CA2697554568.